The following is an entry in ClinVar:

NM_032638.5(GATA2):c.20A>G (p.Gln7Arg)

Gene: GATA2 (GATA binding protein 2; minus strand). Cytogenetic location: 3q21.3.
Variant type: single nucleotide variant.
Coding change: c.20A>G on transcript NM_032638.5 (MANE Select); coding-DNA position 20, A replaced by G.
Protein change: p.Gln7Arg; replaces glutamine 7 with arginine.
Molecular consequence: missense variant.
Genome position (GRCh38, 1-based): chr3:128,487,012, T>C on the plus strand (A>G on the coding strand, the complement: GATA2 is on the minus strand). VCF-style: chr3-128487012-T-C. GRCh37 (hg19) VCF-style: chr3-128205855-T-C.
Other names: c.20A>G, p.Gln7Arg (NM_001145661.2, NM_001145662.1); short protein forms Q7R.
Identifiers: ClinVar variation 1713849 (VCV001713849.5), dbSNP rs2472935244, ClinGen allele CA354409283.

ClinVar aggregate classification (germline): Uncertain significance (1 of 4 stars; one submission).

Conditions:
Monocytopenia with susceptibility to infections. Also called: MONOCYTOPENIA AND MYCOBACTERIAL INFECTION SYNDROME; MONOCYTOPENIA WITH SUSCEPTIBILITY TO MYCOBACTERIAL, FUNGAL, AND PAPILLOMAVIRUS INFECTIONS AND MYELODYSPLASIA; COMBINED IMMUNODEFICIENCY WITH SUSCEPTIBILITY TO MYCOBACTERIAL, VIRAL, AND FUNGAL INFECTIONS; Dendritic cell, monocyte, B lymphocyte, and natural killer lymphocyte deficiency; IMMUNODEFICIENCY 21; GATA2 DEFICIENCY. Identifiers: Orphanet 228423, MedGen C3280030, MONDO:0013607, OMIM 614172.
Deafness-lymphedema-leukemia syndrome. Also called: Lymphedema, primary, with myelodysplasia; Emberger syndrome. Identifiers: Orphanet 3226, MedGen C3279664, MONDO:0013540, OMIM 614038.

Submission:

Labcorp Genetics (formerly Invitae), Labcorp
Classification: Uncertain significance for Monocytopenia with susceptibility to infections; Deafness-lymphedema-leukemia syndrome. Last evaluated: 2022-12-16. Review status: criteria provided, single submitter. Criteria: Invitae Variant Classification Sherloc (09022015). Collection method: clinical testing. Allele origin: germline.
Comment: In summary, the available evidence is currently insufficient to determine the role of this variant in disease. Therefore, it has been classified as a Variant of Uncertain Significance. Advanced modeling of protein sequence and biophysical properties (such as structural, functional, and spatial information, amino acid conservation, physicochemical variation, residue mobility, and thermodynamic stability) has been performed at Invitae for this missense variant, however the output from this modeling did not meet the statistical confidence thresholds required to predict the impact of this variant on GATA2 protein function. ClinVar contains an entry for this variant (Variation ID: 1713849). This variant has not been reported in the literature in individuals affected with GATA2-related conditions. This variant is not present in population databases (gnomAD no frequency). This sequence change replaces glutamine, which is neutral and polar, with arginine, which is basic and polar, at codon 7 of the GATA2 protein (p.Gln7Arg).